The following is an entry in ClinVar:

ClinVar aggregate classification (germline): Benign/Likely benign. Review status: criteria provided, multiple submitters, no conflicts (2 of 4 stars). 3 submissions from 3 submitters: Benign (1); Likely benign (2). Last evaluated 2026-06-17.

Conditions:
Polyps, multiple and recurrent inflammatory fibroid, gastrointestinal. Identifiers: MedGen C5193005, MONDO:0008285, OMIM 175510.
Hereditary cancer-predisposing syndrome. Also called: Neoplastic Syndromes, Hereditary; Hereditary neoplastic syndrome; Hereditary Cancer Syndrome; Tumor predisposition. Identifiers: Orphanet 140162, MedGen C0027672, MeSH D009386, MONDO:0015356.
Gastrointestinal stromal tumor. Also called: Gastrointestinal stromal tumor, somatic; Gastrointestinal stroma tumor. Identifiers: Orphanet 44890, MedGen C0238198, MeSH D046152, MONDO:0011719, OMIM 606764, HP:0100723.

Allele frequency attached by ClinVar (database versions not stated): TOPMed below 0.00001.
gnomAD v4.1: 7 of 1,614,100 alleles (0.00043%); no homozygotes.

Submissions (3):

Myriad Genetics, Inc.
Classification: Benign for Polyps, multiple and recurrent inflammatory fibroid, gastrointestinal. Last evaluated: 2026-06-17. Review status: criteria provided, single submitter. Criteria: Myriad Autosomal Dominant, Autosomal Recessive and X-Linked Classification Criteria (2023). Collection method: clinical testing. Allele origin: unknown.
Comment: This variant is considered benign. This variant is a silent/synonymous amino acid change and it is not expected to impact splicing.

Labcorp Genetics (formerly Invitae), Labcorp
Classification: Likely benign for Gastrointestinal stromal tumor. Last evaluated: 2026-01-30. Review status: criteria provided, single submitter. Criteria: Invitae Variant Classification Sherloc (09022015). Collection method: clinical testing. Allele origin: germline.

Ambry Genetics
Classification: Likely benign for Hereditary cancer-predisposing syndrome. Last evaluated: 2019-09-06. Review status: criteria provided, single submitter. Criteria: Ambry Variant Classification Scheme 2023. Collection method: clinical testing. Allele origin: germline.

NM_006206.6(PDGFRA):c.1782G>A (p.Val594=)

Gene: PDGFRA (platelet derived growth factor receptor alpha; plus strand). Cytogenetic location: 4q12.
Variant type: single nucleotide variant.
Coding change: c.1782G>A on transcript NM_006206.6 (MANE Select); coding-DNA position 1782, G replaced by A.
Protein change: p.Val594=; no amino-acid change (valine 594 retained).
Molecular consequence: synonymous variant.
Genome position (GRCh38, 1-based): chr4:54,274,969, G>A. VCF-style: chr4-54274969-G-A. GRCh37 (hg19) VCF-style: chr4-55141136-G-A.
Other names: c.1782G>A, p.Val594= (NM_001347827.2, NM_001347829.2); c.1857G>A, p.Val619= (NM_001347828.2); c.1821G>A, p.Val607= (NM_001347830.2).
Identifiers: ClinVar variation 240316 (VCV000240316.15), dbSNP rs878854824, ClinGen allele CA10582246.